The following is an entry in ClinVar:

ClinVar aggregate classification (germline): Uncertain significance (1 of 4 stars; one submission).

Allele frequency attached by ClinVar (database versions not stated): gnomAD exomes below 0.00001.
gnomAD v4.1: 1 of 1,613,832 alleles (0.000062%); highest among the groups gnomAD compares: Non-Finnish European, 0.000085%; no homozygotes.

Submission:

Labcorp Genetics (formerly Invitae), Labcorp
Classification: Uncertain significance. Last evaluated: 2022-06-05. Review status: criteria provided, single submitter. Criteria: Invitae Variant Classification Sherloc (09022015). Collection method: clinical testing. Allele origin: germline.
Comment: This variant is not present in population databases (gnomAD no frequency). This sequence change replaces proline, which is neutral and non-polar, with leucine, which is neutral and non-polar, at codon 412 of the OPA1 protein (p.Pro412Leu). This variant has not been reported in the literature in individuals affected with OPA1-related conditions. ClinVar contains an entry for this variant (Variation ID: 1392981). Advanced modeling of protein sequence and biophysical properties (such as structural, functional, and spatial information, amino acid conservation, physicochemical variation, residue mobility, and thermodynamic stability) performed at Invitae indicates that this missense variant is not expected to disrupt OPA1 protein function. In summary, the available evidence is currently insufficient to determine the role of this variant in disease. Therefore, it has been classified as a Variant of Uncertain Significance.

NM_130837.3(OPA1):c.1400C>T (p.Pro467Leu)

Gene: OPA1 (OPA1 mitochondrial dynamin like GTPase; plus strand). Cytogenetic location: 3q29.
Variant type: single nucleotide variant.
Coding change: c.1400C>T on transcript NM_130837.3 (MANE Select); coding-DNA position 1400, C replaced by T.
Protein change: p.Pro467Leu; replaces proline 467 with leucine.
Molecular consequence: missense variant.
Genome position (GRCh38, 1-based): chr3:193,643,550, C>T. VCF-style: chr3-193643550-C-T. GRCh37 (hg19) VCF-style: chr3-193361339-C-T.
Other names: c.866C>T, p.Pro289Leu (NM_001354663.2); c.863C>T, p.Pro288Leu (NM_001354664.2); c.1235C>T, p.Pro412Leu (NM_015560.3); c.1127C>T, p.Pro376Leu (NM_130831.3); c.1181C>T, p.Pro394Leu (NM_130832.3); c.1238C>T, p.Pro413Leu (NM_130833.3); c.1289C>T, p.Pro430Leu (NM_130834.3); c.1292C>T, p.Pro431Leu (NM_130835.3); and 1 more; short protein forms P394L, P413L, P449L, P288L, P289L, P430L, P431L, P376L.
Identifiers: ClinVar variation 1392981 (VCV001392981.6), dbSNP rs2109044362, ClinGen allele CA355789493.